The following is an entry in ClinVar:

ClinVar aggregate classification (germline): Uncertain significance (1 of 4 stars; one submission).

Allele frequency attached by ClinVar (database versions not stated): gnomAD exomes below 0.00001; ExAC 0.00001.
gnomAD v4.1: 1 of 1,607,762 alleles (0.000062%); highest among the groups gnomAD compares: Non-Finnish European, 0.000085%; no homozygotes.

Submission:

Ambry Genetics
Classification: Uncertain significance. Last evaluated: 2021-12-09. Review status: criteria provided, single submitter. Criteria: Ambry Variant Classification Scheme 2023. Collection method: clinical testing. Allele origin: germline.
Comment: The p.L783W variant (also known as c.2348T>G), located in coding exon 15 of the RINT1 gene, results from a T to G substitution at nucleotide position 2348. The leucine at codon 783 is replaced by tryptophan, an amino acid with similar properties. This amino acid position is highly conserved in available vertebrate species. In addition, the in silico prediction for this alteration is inconclusive. The evidence for this gene-disease relationship is limited; therefore, the clinical significance of this alteration is unclear.

NM_021930.6(RINT1):c.2348T>G (p.Leu783Trp)

Genes: EFCAB10 (EF-hand calcium binding domain 10; minus strand), RINT1 (RAD50 interactor 1; plus strand). Cytogenetic location: 7q22.3.
Variant type: single nucleotide variant.
Coding change: c.2348T>G on transcript NM_021930.6 (MANE Select); coding-DNA position 2348, T replaced by G.
Protein change: p.Leu783Trp; replaces leucine 783 with tryptophan.
Molecular consequence: missense variant. On other transcripts: 3 prime UTR variant (2), non-coding transcript variant (1), intron variant (3).
Genome position (GRCh38, 1-based): chr7:105,567,280, T>G. VCF-style: chr7-105567280-T-G. GRCh37 (hg19) VCF-style: chr7-105207727-T-G.
Other names: c.*174A>C (NM_001355527.2, NM_001355529.2); c.2114T>G, p.Leu705Trp (NM_001346599.2); c.1325T>G, p.Leu442Trp (NM_001346600.2, NM_001346603.2); c.1424T>G, p.Leu475Trp (NM_001346601.2); c.360-1833A>C (NM_001355531.2); c.383+187A>C (NM_001355526.2, NM_001355530.2); short protein forms L783W, L705W, L475W, L442W.
Identifiers: ClinVar variation 1789950 (VCV001789950.2), dbSNP rs771473733, ClinGen allele CA4426936.